The following is an entry in ClinVar:

ClinVar aggregate classification (germline): Likely benign. Review status: criteria provided, multiple submitters, no conflicts (2 of 4 stars). 3 submissions from 3 submitters: Likely benign (3). Last evaluated 2024-11-01.

Allele frequency attached by ClinVar (database versions not stated): gnomAD exomes 0.00005 and 0.00012; gnomAD 0.00011 and 0.00012; ExAC 0.00013.
gnomAD v4.1: 93 of 1,569,026 alleles (0.0059%); highest among the groups gnomAD compares: Middle Eastern, 0.034%; no homozygotes.

Submissions (3):

CeGaT Center for Human Genetics Tuebingen
Classification: Likely benign. Last evaluated: 2024-11-01. Review status: criteria provided, single submitter. Criteria: CeGaT Center For Human Genetics Tuebingen Variant Classification Criteria Version 2. Collection method: clinical testing. Allele origin: germline. Affected: yes. Observed: 1 variant allele.
Comment: FSCN2: BP4, BP7

Labcorp Genetics (formerly Invitae), Labcorp
Classification: Likely benign. Last evaluated: 2024-10-23. Review status: criteria provided, single submitter. Criteria: Invitae Variant Classification Sherloc (09022015). Collection method: clinical testing. Allele origin: germline.

Breakthrough Genomics
Classification: Likely benign. Review status: criteria provided, single submitter. Criteria: ACMG Guidelines, 2015. Collection method: not provided. Allele origin: germline. Inheritance: Unknown mechanism. Affected: yes.

NM_012418.4(FSCN2):c.252G>A (p.Pro84=)

Gene: FSCN2 (fascin actin-bundling protein 2, retinal; plus strand). Cytogenetic location: 17q25.3.
Variant type: single nucleotide variant.
Coding change: c.252G>A on transcript NM_012418.4 (MANE Select); coding-DNA position 252, G replaced by A.
Protein change: p.Pro84=; no amino-acid change (proline 84 retained).
Molecular consequence: synonymous variant.
Genome position (GRCh38, 1-based): chr17:81,528,783, G>A. VCF-style: chr17-81528783-G-A. GRCh37 (hg19) VCF-style: chr17-79495809-G-A.
Other names: c.252G>A, p.Pro84= (NM_001077182.3).
Identifiers: ClinVar variation 1142417 (VCV001142417.24), dbSNP rs782640551, ClinGen allele CA8836625.